The following is an entry in ClinVar:

NM_016616.5(NME8):c.1684A>G (p.Lys562Glu)

Gene: NME8 (NME/NM23 family member 8; plus strand). Cytogenetic location: 7p14.1.
Variant type: single nucleotide variant.
Coding change: c.1684A>G on transcript NM_016616.5 (MANE Select); coding-DNA position 1684, A replaced by G.
Protein change: p.Lys562Glu; replaces lysine 562 with glutamic acid.
Molecular consequence: missense variant.
Genome position (GRCh38, 1-based): chr7:37,897,009, A>G. VCF-style: chr7-37897009-A-G. GRCh37 (hg19) VCF-style: chr7-37936611-A-G.
Other names: short protein forms K562E.
Identifiers: ClinVar variation 409675 (VCV000409675.9), dbSNP rs370146151, ClinGen allele CA4222595.
Genomic context (GRCh38, chr7:37,897,009, plus strand): 5'-GAAGAAGCAAAATTACTTTCCCCTGACTCCATCCGAGCCCAGTTTGGAATAAGTAAATTG[A>G]AAAACATTGTCCATGGAGCATCTAACGCCTATGAAGCAAAAGAGGTTGTTAATAGACTCT-3'
Protein context (NP_057700.3, residues 552-572): IRAQFGISKL[Lys562Glu]NIVHGASNAY

ClinVar aggregate classification (germline): Uncertain significance. Review status: criteria provided, multiple submitters, no conflicts (2 of 4 stars). 2 submissions from 2 submitters: Uncertain significance (2). Last evaluated 2025-07-03.

Conditions:
Primary ciliary dyskinesia 6. Also called: Primary Ciliary Dyskinesia 6: TXNDC3-Related Primary Ciliary Dyskinesia. Identifiers: Orphanet 244, MedGen C1970506, MONDO:0012571, OMIM 610852.

Allele frequency attached by ClinVar (database versions not stated): gnomAD exomes 0.00001 and 0.00006; gnomAD 0.00002; ExAC 0.00005; TOPMed 0.00006.
gnomAD v4.1: 45 of 1,613,850 alleles (0.0028%); highest among the groups gnomAD compares: East Asian, 0.04%; 1 homozygote.

Submissions (2):

Labcorp Genetics (formerly Invitae), Labcorp
Classification: Uncertain significance for Primary ciliary dyskinesia 6. Last evaluated: 2025-07-03. Review status: criteria provided, single submitter. Criteria: Invitae Variant Classification Sherloc (09022015). Collection method: clinical testing. Allele origin: germline.
Comment: This sequence change replaces lysine, which is basic and polar, with glutamic acid, which is acidic and polar, at codon 562 of the NME8 protein (p.Lys562Glu). This variant is present in population databases (rs370146151, gnomAD 0.06%), and has an allele count higher than expected for a pathogenic variant. This variant has not been reported in the literature in individuals affected with NME8-related conditions. ClinVar contains an entry for this variant (Variation ID: 409675). Invitae Evidence Modeling of protein sequence and biophysical properties (such as structural, functional, and spatial information, amino acid conservation, physicochemical variation, residue mobility, and thermodynamic stability) indicates that this missense variant is not expected to disrupt NME8 protein function with a negative predictive value of 80%. In summary, the available evidence is currently insufficient to determine the role of this variant in disease. Therefore, it has been classified as a Variant of Uncertain Significance.

Fulgent Genetics
Classification: Uncertain significance for Primary ciliary dyskinesia 6. Last evaluated: 2021-10-07. Review status: criteria provided, single submitter. Criteria: ACMG Guidelines, 2015. Collection method: clinical testing. Allele origin: unknown.